The following is an entry in ClinVar:

NM_003036.4(SKI):c.1767+9G>T

Gene: SKI (SKI proto-oncogene; plus strand). Cytogenetic location: 1p36.32.
Variant type: single nucleotide variant.
Coding change: c.1767+9G>T on transcript NM_003036.4 (MANE Select); 9 bases into the intron after coding-DNA position 1767, G replaced by T.
Molecular consequence: intron variant.
Genome position (GRCh38, 1-based): chr1:2,304,594, G>T. VCF-style: chr1-2304594-G-T. GRCh37 (hg19) VCF-style: chr1-2236033-G-T.
Identifiers: ClinVar variation 516036 (VCV000516036.1), dbSNP rs181520853, ClinGen allele CA16896842.

ClinVar aggregate classification (germline): Likely benign (1 of 4 stars; one submission).

Allele frequency attached by ClinVar (database versions not stated): TOPMed 0.00002.
gnomAD v4.1: 4 of 1,544,382 alleles (0.00026%); highest among the groups gnomAD compares: African/African-American, 0.0041%; no homozygotes.

Submission:

GeneDx
Classification: Likely benign. Last evaluated: 2018-03-13. Review status: criteria provided, single submitter. Criteria: GeneDx Variant Classification (06012015). Collection method: clinical testing. Allele origin: germline. Affected: yes.
Comment: This variant is considered likely benign or benign based on one or more of the following criteria: it is a conservative change, it occurs at a poorly conserved position in the protein, it is predicted to be benign by multiple in silico algorithms, and/or has population frequency not consistent with disease.